The following is an entry in ClinVar:

NM_001023.4(RPS20):c.309C>T (p.Ser103=)

Gene: RPS20 (ribosomal protein S20; minus strand). Cytogenetic location: 8q12.1.
Variant type: single nucleotide variant.
Coding change: c.309C>T on transcript NM_001023.4 (MANE Select); coding-DNA position 309, C replaced by T.
Protein change: p.Ser103=; no amino-acid change (serine 103 retained).
Molecular consequence: synonymous variant.
Genome position (GRCh38, 1-based): chr8:56,073,141, G>A on the plus strand (C>T on the coding strand, the complement: RPS20 is on the minus strand). VCF-style: chr8-56073141-G-A. GRCh37 (hg19) VCF-style: chr8-56985700-G-A.
Other names: c.309C>T, p.Ser103= (NM_001146227.3).
Identifiers: ClinVar variation 1727560 (VCV001727560.3), dbSNP rs777824927, ClinGen allele CA4754317.

ClinVar aggregate classification (germline): Benign/Likely benign. Review status: criteria provided, multiple submitters, no conflicts (2 of 4 stars). 2 submissions from 2 submitters: Benign (1); Likely benign (1). Last evaluated 2026-08-04.

Conditions:
Familial colorectal cancer type X. Identifiers: Orphanet 440437, MedGen C3896578, MONDO:0018604.

Allele frequency attached by ClinVar (database versions not stated): gnomAD exomes below 0.00001; gnomAD 0.00001; ExAC 0.00002; TOPMed below 0.00001.
gnomAD v4.1: 7 of 1,597,946 alleles (0.00044%); highest among the groups gnomAD compares: South Asian, 0.0077%; no homozygotes.

Submissions (2):

Myriad Genetics, Inc.
Classification: Benign for Familial colorectal cancer type X. Last evaluated: 2026-08-04. Review status: criteria provided, single submitter. Criteria: Myriad Autosomal Dominant, Autosomal Recessive and X-Linked Classification Criteria (2023). Collection method: clinical testing. Allele origin: unknown.
Comment: This variant is considered benign. This variant is a silent/synonymous amino acid change and it is not expected to impact splicing.

Ambry Genetics
Classification: Likely benign. Last evaluated: 2022-06-20. Review status: criteria provided, single submitter. Criteria: Ambry Variant Classification Scheme 2023. Collection method: clinical testing. Allele origin: germline.